The following is an entry in ClinVar:

ClinVar aggregate classification (germline): Conflicting classifications of pathogenicity. Review status: criteria provided, conflicting classifications (1 of 4 stars). 2 submissions from 1 submitter: Uncertain significance (1); Likely benign (1). Last evaluated 2018-01-13.

Conditions:
Microcephaly 6, primary, autosomal recessive. Identifiers: Orphanet 2512, MedGen C1842109, MONDO:0012029, OMIM 608393.
Seckel syndrome 4 (SCKL4). Identifiers: Orphanet 808, MedGen C3888212, MONDO:0013358, OMIM 613676.

Allele frequency attached by ClinVar (database versions not stated): TOPMed 0.00113; gnomAD 0.00124 and 0.00155; gnomAD exomes 0.00218; 1000 Genomes Project 0.00280; 1000 Genomes Project 30x 0.00281.
gnomAD v4.1: 238 of 154,240 alleles (0.15%); highest among the groups gnomAD compares: South Asian, 0.97%; 3 homozygotes.

Submissions (2):

Illumina Laboratory Services, Illumina
Classification: Uncertain significance for Microcephaly 6, primary, autosomal recessive. Last evaluated: 2018-01-13. Review status: criteria provided, single submitter. Criteria: ICSL Variant Classification Criteria 13 December 2019. Collection method: clinical testing. Allele origin: germline.

Illumina Laboratory Services, Illumina
Classification: Likely benign for Seckel syndrome 4. Last evaluated: 2018-01-13. Review status: criteria provided, single submitter. Criteria: ICSL Variant Classification Criteria 13 December 2019. Collection method: clinical testing. Allele origin: germline.
Comment: This variant was observed in the ICSL laboratory as part of a predisposition screen in an ostensibly healthy population. It had not been previously curated by ICSL or reported in the Human Gene Mutation Database (HGMD: prior to June 1st, 2018), and was therefore a candidate for classification through an automated scoring system. Utilizing variant allele frequency, disease prevalence and penetrance estimates, and inheritance mode, an automated score was calculated to assess if this variant is too frequent to cause the disease. Based on the score and internal cut-off values, a variant classified as likely benign is not then subjected to further curation. The score for this variant resulted in a classification of likely benign for this disease.

NM_018451.5(CPAP):c.*556A>C

Genes: CPAP (centrosome assembly and centriole elongation protein; minus strand), RNF17 (ring finger protein 17; plus strand). Cytogenetic location: 13q12.12.
Variant type: single nucleotide variant.
Coding change: c.*556A>C on transcript NM_018451.5 (MANE Select); 556 bases downstream of the stop codon, A replaced by C.
Molecular consequence: 3 prime UTR variant. On other transcripts: non-coding transcript variant (2).
Genome position (GRCh38, 1-based): chr13:24,882,621, T>G on the plus strand (A>C on the coding strand, the complement: CPAP is on the minus strand). VCF-style: chr13-24882621-T-G. GRCh37 (hg19) VCF-style: chr13-25456759-T-G.
Identifiers: ClinVar variation 881105 (VCV000881105.4), dbSNP rs188324716, ClinGen allele CA247123856.